The following is an entry in ClinVar:

NM_130384.3(ATRIP):c.926G>C (p.Gly309Ala)

Genes: ATRIP (ATR interacting protein; plus strand), ATRIP-TREX1 (ATRIP-TREX1 readthrough; plus strand). Cytogenetic location: 3p21.31.
Variant type: single nucleotide variant.
Coding change: c.926G>C on transcript NM_130384.3 (MANE Select); coding-DNA position 926, G replaced by C.
Protein change: p.Gly309Ala; replaces glycine 309 with alanine.
Molecular consequence: missense variant. On other transcripts: non-coding transcript variant (1).
Genome position (GRCh38, 1-based): chr3:48,459,787, G>C. VCF-style: chr3-48459787-G-C. GRCh37 (hg19) VCF-style: chr3-48501186-G-C.
Other names: c.545G>C, p.Gly182Ala (NM_001271022.2); c.647G>C, p.Gly216Ala (NM_001271023.2); c.926G>C, p.Gly309Ala (NM_032166.4); short protein forms G182A, G216A, G309A.
Identifiers: ClinVar variation 3809653 (VCV003809653.1).

ClinVar aggregate classification (germline): Uncertain significance (1 of 4 stars; one submission).

Submission:

Ambry Genetics
Classification: Uncertain significance. Last evaluated: 2025-01-06. Review status: criteria provided, single submitter. Criteria: Ambry Variant Classification Scheme 2023. Collection method: clinical testing. Allele origin: germline.
Comment: The p.G309A variant (also known as c.926G>C) is located in coding exon 7 of the ATRIP gene. The glycine at codon 309 is replaced by alanine, an amino acid with similar properties. This change occurs in the first base pair of coding exon 7. This amino acid position is conserved. In addition, the in silico prediction for this alteration is inconclusive. Based on the available evidence, the clinical significance of this variant remains unclear.